The following is an entry in ClinVar:

ClinVar aggregate classification (germline): Likely benign. Review status: criteria provided, multiple submitters, no conflicts (2 of 4 stars). 2 submissions from 2 submitters: Likely benign (2). Last evaluated 2026-01-07.

Conditions:
Congenital disorder of glycosylation, type Ii. Also called: ALG2-CDG; CDG Ii; ALG2-congenital disorder of glycosylation. Identifiers: Orphanet 79326, MedGen C1842836, MONDO:0011933, OMIM 607906.
Congenital myasthenic syndrome 14. Also called: Myasthenic syndrome, congenital, 14, with tubular aggregates. Identifiers: Orphanet 353327, Orphanet 590, MedGen C4015597, MONDO:0014543, OMIM 616228.

Allele frequency attached by ClinVar (database versions not stated): gnomAD exomes 0.00002 and 0.00004; TOPMed 0.00003; gnomAD 0.00001 and 0.00002; ESP Exome Variant Server 0.00008; ExAC 0.00003.

Submissions (2):

Labcorp Genetics (formerly Invitae), Labcorp
Classification: Likely benign for Congenital disorder of glycosylation, type Ii; Congenital myasthenic syndrome 14. Last evaluated: 2026-01-07. Review status: criteria provided, single submitter. Criteria: Invitae Variant Classification Sherloc (09022015). Collection method: clinical testing. Allele origin: germline.

GeneDx
Classification: Likely benign. Last evaluated: 2016-06-21. Review status: criteria provided, single submitter. Criteria: GeneDx Variant Classification (06012015). Collection method: clinical testing. Allele origin: germline. Affected: yes.
Comment: This variant is considered likely benign or benign based on one or more of the following criteria: it is a conservative change, it occurs at a poorly conserved position in the protein, it is predicted to be benign by multiple in silico algorithms, and/or has population frequency not consistent with disease.

NM_033087.4(ALG2):c.663C>T (p.Pro221=)

Gene: ALG2 (ALG2 alpha-1,3/1,6-mannosyltransferase; minus strand). Cytogenetic location: 9q22.33.
Variant type: single nucleotide variant.
Coding change: c.663C>T on transcript NM_033087.4 (MANE Select); coding-DNA position 663, C replaced by T.
Protein change: p.Pro221=; no amino-acid change (proline 221 retained).
Molecular consequence: synonymous variant. On other transcripts: non-coding transcript variant (1).
Genome position (GRCh38, 1-based): chr9:99,218,522, G>A on the plus strand (C>T on the coding strand, the complement: ALG2 is on the minus strand). VCF-style: chr9-99218522-G-A. GRCh37 (hg19) VCF-style: chr9-101980804-G-A.
Identifiers: ClinVar variation 386713 (VCV000386713.5), dbSNP rs201126562, ClinGen allele CA5156274.
Genomic context (GRCh38, chr9:99,218,522, plus strand): 5'-AGTCAGATTTTTCTTCCTTTCGTATCTGTTGATGGAGAGCAGCAGGAATTTTTTCCCCTT[G>A]GGGACTAGGTCATCCAGCTTTTCAGGAACAACTGAGTCAAAGCTGGTGACATTTAGAGAT-3'
Protein context (NP_149078.1, residues 211-231): VVPEKLDDLV[Pro221=]KGKKFLLLSI